The following is an entry in ClinVar:

NM_005188.4(CBL):c.1571C>T (p.Ser524Phe)

Gene: CBL (Cbl proto-oncogene; plus strand). Cytogenetic location: 11q23.3.
Variant type: single nucleotide variant.
Coding change: c.1571C>T on transcript NM_005188.4 (MANE Select); coding-DNA position 1571, C replaced by T.
Protein change: p.Ser524Phe; replaces serine 524 with phenylalanine.
Molecular consequence: missense variant.
Genome position (GRCh38, 1-based): chr11:119,285,196, C>T. VCF-style: chr11-119285196-C-T. GRCh37 (hg19) VCF-style: chr11-119155906-C-T.
Other names: short protein forms S524F.
Identifiers: ClinVar variation 4536586 (VCV004536586.1).
Genomic context (GRCh38, chr11:119,285,196, plus strand): 5'-TTTGCTGTGTACTAGTGGGTTTTTACTGATTTGCTTTCACCCTGCTTCCACAGGCTGCTT[C>T]TGGCTCCCTTCATAAAGACAAACCATTGCCAGTACCTCCCACACTTCGAGATCTTCCACC-3'
Protein context (NP_005179.2, residues 514-534): SALGTASKAA[Ser524Phe]GSLHKDKPLP

ClinVar aggregate classification (germline): Uncertain significance (1 of 4 stars; one submission).

gnomAD v4.1: 1 of 1,614,208 alleles (0.000062%); highest among the groups gnomAD compares: Non-Finnish European, 0.000085%; no homozygotes.

Submission:

GeneDx
Classification: Uncertain significance. Last evaluated: 2025-06-05. Review status: criteria provided, single submitter. Criteria: GeneDx Variant Classification Process June 2021. Collection method: clinical testing. Allele origin: germline. Affected: yes.
Comment: Not observed at significant frequency in large population cohorts (gnomAD); In silico analysis suggests that this missense variant does not alter protein structure/function; Has not been previously published as pathogenic or benign to our knowledge; This variant is associated with the following publications: (PMID: 20619386)